The following is an entry in ClinVar:

NM_000038.6(APC):c.4517T>G (p.Leu1506Arg)

Gene: APC (APC regulator of Wnt signaling pathway; plus strand). Cytogenetic location: 5q22.2.
Variant type: single nucleotide variant.
Coding change: c.4517T>G on transcript NM_000038.6 (MANE Select); coding-DNA position 4517, T replaced by G.
Protein change: p.Leu1506Arg; replaces leucine 1506 with arginine.
Molecular consequence: missense variant. On other transcripts: non-coding transcript variant (2).
Genome position (GRCh38, 1-based): chr5:112,840,111, T>G. VCF-style: chr5-112840111-T-G. GRCh37 (hg19) VCF-style: chr5-112175808-T-G.
Other names: c.4517T>G, p.Leu1506Arg (NM_001127510.3, NM_001354895.2, NM_001407450.1); c.4463T>G, p.Leu1488Arg (NM_001127511.3); c.4571T>G, p.Leu1524Arg (NM_001354896.2, NM_001407447.1, NM_001407448.1 and 1 more transcripts); c.4547T>G, p.Leu1516Arg (NM_001354897.2); c.4442T>G, p.Leu1481Arg (NM_001354898.2); c.4433T>G, p.Leu1478Arg (NM_001354899.2); c.4394T>G, p.Leu1465Arg (NM_001354900.2); c.4340T>G, p.Leu1447Arg (NM_001354901.2, NM_001407453.1); and 11 more; short protein forms L1122R, L1223R, L1346R, L1377R, L1380R, L1405R, L1415R, L1423R.
Identifiers: ClinVar variation 4801486 (VCV004801486.1).
Genomic context (GRCh38, chr5:112,840,111, plus strand): 5'-ATACTTTATTACATTTTGCCACGGAAAGTACTCCAGATGGATTTTCTTGTTCATCCAGCC[T>G]GAGTGCTCTGAGCCTCGATGAGCCATTTATACAGAAAGATGTGGAATTAAGAATAATGCC-3'
Protein context (NP_000029.2, residues 1496-1516): TPDGFSCSSS[Leu1506Arg]SALSLDEPFI

ClinVar aggregate classification (germline): Uncertain significance (1 of 4 stars; one submission).

Conditions:
Familial adenomatous polyposis 1 (FAP1). Also called: FAMILIAL ADENOMATOUS POLYPOSIS 1, ATTENUATED; POLYPOSIS, ADENOMATOUS INTESTINAL. Identifiers: MedGen C2713442, MONDO:0021056, OMIM 175100. Disease mechanism: loss of function.

Submission:

Labcorp Genetics (formerly Invitae), Labcorp
Classification: Uncertain significance for Familial adenomatous polyposis 1. Last evaluated: 2025-11-30. Review status: criteria provided, single submitter. Criteria: Invitae Variant Classification Sherloc (09022015). Collection method: clinical testing. Allele origin: germline.
Comment: This sequence change replaces leucine, which is neutral and non-polar, with arginine, which is basic and polar, at codon 1506 of the APC protein (p.Leu1506Arg). This variant is not present in population databases (gnomAD no frequency). This variant has not been reported in the literature in individuals affected with APC-related conditions. Invitae Evidence Modeling of protein sequence and biophysical properties (such as structural, functional, and spatial information, amino acid conservation, physicochemical variation, residue mobility, and thermodynamic stability) indicates that this missense variant is not expected to disrupt APC protein function with a negative predictive value of 95%. In summary, the available evidence is currently insufficient to determine the role of this variant in disease. Therefore, it has been classified as a Variant of Uncertain Significance.